The following is an entry in ClinVar:

ClinVar aggregate classification (germline): Uncertain significance (1 of 4 stars; one submission).

Conditions:
RASopathy. Also called: rasopathies; Noonan spectrum disorder. Identifiers: Orphanet 536391, MedGen C5555857, MONDO:0021060.

Submission:

Labcorp Genetics (formerly Invitae), Labcorp
Classification: Uncertain significance for RASopathy. Last evaluated: 2022-11-08. Review status: criteria provided, single submitter. Criteria: Invitae Variant Classification Sherloc (09022015). Collection method: clinical testing. Allele origin: germline.
Comment: In summary, the available evidence is currently insufficient to determine the role of this variant in disease. Therefore, it has been classified as a Variant of Uncertain Significance. Experimental studies have shown that this missense change affects BRAF function (PMID: 23907581). Advanced modeling of protein sequence and biophysical properties (such as structural, functional, and spatial information, amino acid conservation, physicochemical variation, residue mobility, and thermodynamic stability) performed at Invitae indicates that this missense variant is expected to disrupt BRAF protein function. ClinVar contains an entry for this variant (Variation ID: 1499777). This variant has not been reported in the literature in individuals affected with BRAF-related conditions. This variant is not present in population databases (gnomAD no frequency). This sequence change replaces lysine, which is basic and polar, with arginine, which is basic and polar, at codon 483 of the BRAF protein (p.Lys483Arg).

Literature cited by the submitters: PubMed 23907581.

NM_004333.6(BRAF):c.1448A>G (p.Lys483Arg)

Gene: BRAF (B-Raf proto-oncogene, serine/threonine kinase; minus strand). Cytogenetic location: 7q34.
Variant type: single nucleotide variant.
Coding change: c.1448A>G on transcript NM_004333.6 (MANE Select); coding-DNA position 1448, A replaced by G.
Protein change: p.Lys483Arg; replaces lysine 483 with arginine.
Molecular consequence: missense variant.
Genome position (GRCh38, 1-based): chr7:140,778,060, T>C on the plus strand (A>G on the coding strand, the complement: BRAF is on the minus strand). VCF-style: chr7-140778060-T-C. GRCh37 (hg19) VCF-style: chr7-140477860-T-C.
Other names: c.1448A>G, p.Lys483Arg (NM_001354609.2, NM_001378468.1, NM_001378474.1); c.1568A>G, p.Lys523Arg (NM_001374244.1, NM_001374258.1); c.1457A>G, p.Lys486Arg (NM_001378467.1); c.1382A>G, p.Lys461Arg (NM_001378469.1); c.1346A>G, p.Lys449Arg (NM_001378470.1); c.1337A>G, p.Lys446Arg (NM_001378471.1); c.1292A>G, p.Lys431Arg (NM_001378472.1, NM_001378473.1); c.1184A>G, p.Lys395Arg (NM_001378475.1); short protein forms K395R, K431R, K446R, K461R, K523R, K483R, K486R, K449R.
Identifiers: ClinVar variation 1499777 (VCV001499777.8), dbSNP rs1586126581, ClinGen allele CA369588492.